The following is an entry in ClinVar:

ClinVar aggregate classification (germline): Uncertain significance. Review status: criteria provided, multiple submitters, no conflicts (2 of 4 stars). 3 submissions from 3 submitters: Uncertain significance (3). Last evaluated 2023-10-13.

Conditions:
Inborn genetic diseases. Identifiers: MedGen C0950123, MeSH D030342.
Hyperphosphatasia with impaired intellectual development syndrome 2. Also called: GLYCOSYLPHOSPHATIDYLINOSITOL BIOSYNTHESIS DEFECT 6; Hyperphosphatasia with intellectual disability syndrome 2. Identifiers: Orphanet 247262, MedGen C3553637, MONDO:0013882, OMIM 614749.

Allele frequency attached by ClinVar (database versions not stated): TOPMed below 0.00001; gnomAD 0.00001.
gnomAD v4.1: 12 of 1,614,186 alleles (0.00074%); highest among the groups gnomAD compares: Admixed American, 0.0033%; no homozygotes.

Submissions (3):

Labcorp Genetics (formerly Invitae), Labcorp
Classification: Uncertain significance for Hyperphosphatasia with impaired intellectual development syndrome 2. Last evaluated: 2023-10-13. Review status: criteria provided, single submitter. Criteria: Invitae Variant Classification Sherloc (09022015). Collection method: clinical testing. Allele origin: germline.
Comment: This sequence change replaces proline, which is neutral and non-polar, with serine, which is neutral and polar, at codon 574 of the PIGO protein (p.Pro574Ser). This variant is not present in population databases (gnomAD no frequency). This variant has not been reported in the literature in individuals affected with PIGO-related conditions. ClinVar contains an entry for this variant (Variation ID: 473216). An algorithm developed to predict the effect of missense changes on protein structure and function (PolyPhen-2) suggests that this variant¬†is likely to be tolerated. In summary, the available evidence is currently insufficient to determine the role of this variant in disease. Therefore, it has been classified as a Variant of Uncertain Significance.

Ambry Genetics
Classification: Uncertain significance for Inborn genetic diseases. Last evaluated: 2023-10-10. Review status: criteria provided, single submitter. Criteria: Ambry Variant Classification Scheme 2023. Collection method: clinical testing. Allele origin: germline.

GeneDx
Classification: Uncertain significance. Last evaluated: 2021-02-09. Review status: criteria provided, single submitter. Criteria: GeneDx Variant Classification Process June 2021. Collection method: clinical testing. Allele origin: germline. Affected: yes.
Comment: Not observed in large population cohorts (Lek et al., 2016); In silico analysis supports that this missense variant does not alter protein structure/function; Has not been previously published as pathogenic or benign to our knowledge

NM_032634.4(PIGO):c.1720C>T (p.Pro574Ser)

Gene: PIGO (phosphatidylinositol glycan anchor biosynthesis class O; minus strand). Cytogenetic location: 9p13.3.
Variant type: single nucleotide variant.
Coding change: c.1720C>T on transcript NM_032634.4 (MANE Select); coding-DNA position 1720, C replaced by T.
Protein change: p.Pro574Ser; replaces proline 574 with serine.
Molecular consequence: missense variant. On other transcripts: intron variant (2).
Genome position (GRCh38, 1-based): chr9:35,092,167, G>A on the plus strand (C>T on the coding strand, the complement: PIGO is on the minus strand). VCF-style: chr9-35092167-G-A. GRCh37 (hg19) VCF-style: chr9-35092164-G-A.
Other names: c.1344+376C>T (NM_152850.4, NM_001201484.2); short protein forms P574S.
Identifiers: ClinVar variation 473216 (VCV000473216.10), dbSNP rs765632190, ClinGen allele CA192711414.